The following is an entry in ClinVar:

NM_173598.6(KSR2):c.1699_1700delinsCT (p.Tyr567Leu)

Gene: KSR2 (kinase suppressor of ras 2; minus strand). Cytogenetic location: 12q24.22.
Variant type: Indel.
Coding change: c.1699_1700delinsCT on transcript NM_173598.6 (MANE Select); coding-DNA positions 1699 to 1700, TA replaced by CT.
Protein change: p.Tyr567Leu; replaces tyrosine 567 with leucine.
Molecular consequence: missense variant.
Genome position (GRCh38, 1-based): chr12:117,531,695-117,531,696, TA replaced by AG on the plus strand (TA replaced by CT on the coding strand, the reverse complement: KSR2 is on the minus strand). VCF-style: chr12-117531695-TA-AG. GRCh37 (hg19) VCF-style: chr12-117969500-TA-AG.
Other names: short protein forms Y567L.
Identifiers: ClinVar variation 5002550 (VCV005002550.1).

ClinVar aggregate classification (germline): Uncertain significance (1 of 4 stars; one submission).

Conditions:
KSR2-related disorder. Also called: KSR2-related condition.

Submission:

PreventionGenetics, part of Exact Sciences
Classification: Uncertain significance for KSR2-related condition. Last evaluated: 2025-02-22. Review status: criteria provided, single submitter. Criteria: ACMG Guidelines, 2015. Collection method: clinical testing. Allele origin: germline.
Comment: The KSR2 c.1612_1613delinsCT variant is predicted to result in an in-frame deletion and insertion. To our knowledge, this variant has not been reported in the literature or in a large population database (gnomAD), indicating this variant is rare. At this time, the clinical significance of this variant is uncertain due to the absence of conclusive functional and genetic evidence.